The following is an entry in ClinVar:

ClinVar aggregate classification (germline): Uncertain significance. Review status: criteria provided, multiple submitters, no conflicts (2 of 4 stars). 2 submissions from 2 submitters: Uncertain significance (2). Last evaluated 2022-11-04.

Submissions (2):

Ambry Genetics
Classification: Uncertain significance. Last evaluated: 2022-11-04. Review status: criteria provided, single submitter. Criteria: Ambry Variant Classification Scheme 2023. Collection method: clinical testing. Allele origin: germline.
Comment: The c.1931_1936delGAAAAA variant (also known as p.R644_K645del) is located in coding exon 14 of the RECQL gene. This variant results from an in-frame GAAAAA deletion at nucleotide positions 1931 to 1936. This results in the in-frame deletion of two amino acids (RK) at codons 644 to 645. The deleted amino acid positions are highly conserved in available vertebrate species. In addition, this alteration is predicted to be neutral by in silico analysis (Choi Y et al. PLoS ONE. 2012; 7(10):e46688). The evidence for this gene-disease relationship is limited; therefore, the clinical significance of this alteration is unclear.

GeneDx
Classification: Uncertain significance. Last evaluated: 2019-12-12. Review status: criteria provided, single submitter. Criteria: GeneDx Variant Classification Process June 2021. Collection method: clinical testing. Allele origin: germline. Affected: yes.
Comment: In-frame deletion of 2 amino acids in a non-repeat region; Not observed at a significant frequency in large population cohorts (Lek 2016); Has not been previously published as pathogenic or benign to our knowledge; In silico analysis, which includes protein predictors and evolutionary conservation, supports that this variant does not alter protein structure/function

NM_002907.4(RECQL):c.1931_1936del (p.Arg644_Lys645del)

Genes: PYROXD1 (pyridine nucleotide-disulphide oxidoreductase domain 1; plus strand), RECQL (RecQ like helicase; minus strand). Cytogenetic location: 12p12.1.
Variant type: Deletion.
Coding change: c.1931_1936del on transcript NM_002907.4 (MANE Select); coding-DNA positions 1931 to 1936, 6 bases deleted (GAAAAA; older notation c.1931_1936delGAAAAA).
Protein change: p.Arg644_Lys645del.
Molecular consequence: inframe deletion. On other transcripts: 3 prime UTR variant (3).
Genome position (GRCh38, 1-based): chr12:21,470,208-21,470,213, TTTTTC deleted on the plus strand (GAAAAA on the coding strand, the reverse complement: RECQL is on the minus strand); deleting any 6 consecutive bases within chr12:21,470,208-21,470,217 gives the same sequence; the c. name uses the placement nearest the transcript's 3' end. VCF-style (leftmost placement, unchanged base first): chr12-21470207-ATTTTTC-A. GRCh37 (hg19) VCF-style: chr12-21623141-ATTTTTC-A.
Other names: c.1931_1936delGAAAAA (NM_002907.3); c.1931_1936del, p.Arg644_Lys645del (NM_032941.3); c.*1458_*1463del (NM_001350912.2, NM_001350913.2, NM_024854.5).
Identifiers: ClinVar variation 1310836 (VCV001310836.4), dbSNP rs752407422, ClinGen allele CA6478583.
Genomic context (GRCh38, chr12:21,470,207, plus strand): 5'-ATACATGCATAAACCATCTTTAATTAGAAAATTTAGTAACATTCATATCAGGCATCATCG[ATTTTTC>A]TTTTCTTAGCTCCTGTATTCTTAGAACCAGATTGCTGAAGCATGTTTGCAGCCTTCTTCT-3'